The following is an entry in ClinVar:

NM_024490.4(ATP10A):c.3176C>T (p.Ala1059Val)

Gene: ATP10A (ATPase phospholipid transporting 10A (putative); minus strand). Cytogenetic location: 15q12.
Variant type: single nucleotide variant.
Coding change: c.3176C>T on transcript NM_024490.4 (MANE Select); coding-DNA position 3176, C replaced by T.
Protein change: p.Ala1059Val; replaces alanine 1059 with valine.
Molecular consequence: missense variant.
Genome position (GRCh38, 1-based): chr15:25,687,818, G>A on the plus strand (C>T on the coding strand, the complement: ATP10A is on the minus strand). VCF-style: chr15-25687818-G-A. GRCh37 (hg19) VCF-style: chr15-25932965-G-A.
Other names: short protein forms A1059V.
Identifiers: ClinVar variation 2630254 (VCV002630254.1), dbSNP rs2503993336, ClinGen allele CA391362707.
Genomic context (GRCh38, chr15:25,687,818, plus strand): 5'-TGCCCGTGAAGAATCAAGAGCCTCTCCAGGTATCGGAATTTCGGCACTGCAAAGTCGCTG[G>A]CCATCACTGCCTTCAAAGGGAGAGGGATTCCTGTTACTGGTGATGCCGACCTGGCGTCAG-3'
Protein context (NP_077816.1, residues 1049-1069): SGQEGMQAVM[Ala1059Val]SDFAVPKFRY

ClinVar aggregate classification (germline): Uncertain significance (1 of 4 stars; one submission).

Conditions:
ATP10A-related disorder. Also called: ATP10A-related condition.

Allele frequency attached by ClinVar (database versions not stated): gnomAD exomes below 0.00001.
gnomAD v4.1: 1 of 1,613,898 alleles (0.000062%); highest among the groups gnomAD compares: Non-Finnish European, 0.000085%; no homozygotes.

Submission:

PreventionGenetics, part of Exact Sciences
Classification: Uncertain significance for ATP10A-related condition. Last evaluated: 2023-02-25. Review status: criteria provided, single submitter. Criteria: ACMG Guidelines, 2015. Collection method: clinical testing. Allele origin: germline.
Comment: The ATP10A c.3176C>T variant is predicted to result in the amino acid substitution p.Ala1059Val. To our knowledge, this variant has not been reported in the literature or in a large population database, indicating this variant is rare. At this time, the clinical significance of this variant is uncertain due to the absence of conclusive functional and genetic evidence.